The following is an entry in ClinVar:

NM_000016.6(ACADM):c.101G>T (p.Gly34Val)

Gene: ACADM (acyl-CoA dehydrogenase medium chain; plus strand). Cytogenetic location: 1p31.1.
Variant type: single nucleotide variant.
Coding change: c.101G>T on transcript NM_000016.6 (MANE Select); coding-DNA position 101, G replaced by T.
Protein change: p.Gly34Val; replaces glycine 34 with valine.
Molecular consequence: missense variant. On other transcripts: intron variant (2).
Genome position (GRCh38, 1-based): chr1:75,728,471, G>T. VCF-style: chr1-75728471-G-T. GRCh37 (hg19) VCF-style: chr1-76194156-G-T.
Other names: c.113G>T, p.Gly38Val (NM_001127328.3); c.101G>T, p.Gly34Val (NM_001286043.2); c.10+3654G>T (NM_001286042.2); c.-268+3654G>T (NM_001286044.2); short protein forms G34V, G38V.
Identifiers: ClinVar variation 2956704 (VCV002956704.3), dbSNP rs2525552120, ClinGen allele CA340807413.
Genomic context (GRCh38, chr1:75,728,471, plus strand): 5'-GTATTTCTCGTTTTCATTGGAGATCACAGCATACAAAAGCCAATCGACAACGTGAACCAG[G>T]ATTAGGATTTAGTTTTGGTATATGTTCGGTTCTATCTTTTGACTTTAAACTTATACATAT-3'
Protein context (NP_000007.1, residues 24-44): HTKANRQREP[Gly34Val]LGFSFEFTEQ

ClinVar aggregate classification (germline): Uncertain significance (1 of 4 stars; one submission).

Conditions:
Medium-chain acyl-coenzyme A dehydrogenase deficiency (ACADMD). Also called: CARNITINE DEFICIENCY SECONDARY TO MEDIUM-CHAIN ACYL-CoA DEHYDROGENASE DEFICIENCY; MCAD Deficiency; MCADH DEFICIENCY; MCADD; ACADM DEFICIENCY; Medium chain acyl-CoA dehydrogenase deficiency. Identifiers: Orphanet 42, MedGen C0220710, MONDO:0008721, OMIM 201450.

Submission:

Labcorp Genetics (formerly Invitae), Labcorp
Classification: Uncertain significance for Medium-chain acyl-coenzyme A dehydrogenase deficiency. Last evaluated: 2022-12-22. Review status: criteria provided, single submitter. Criteria: Invitae Variant Classification Sherloc (09022015). Collection method: clinical testing. Allele origin: germline.
Comment: Advanced modeling of protein sequence and biophysical properties (such as structural, functional, and spatial information, amino acid conservation, physicochemical variation, residue mobility, and thermodynamic stability) performed at Invitae indicates that this missense variant is expected to disrupt ACADM protein function. Algorithms developed to predict the effect of sequence changes on RNA splicing suggest that this variant may disrupt the consensus splice site. In summary, the available evidence is currently insufficient to determine the role of this variant in disease. Therefore, it has been classified as a Variant of Uncertain Significance. This variant has not been reported in the literature in individuals affected with ACADM-related conditions. This sequence change replaces glycine, which is neutral and non-polar, with valine, which is neutral and non-polar, at codon 34 of the ACADM protein (p.Gly34Val). This variant is not present in population databases (gnomAD no frequency).